The following is an entry in ClinVar:

ClinVar aggregate classification (germline): Likely pathogenic (1 of 4 stars; one submission).

Conditions:
Progressive familial intrahepatic cholestasis type 2. Identifiers: Orphanet 79304, MedGen C3489789, MONDO:0011156, OMIM 601847.

Submission:

Neuberg Centre For Genomic Medicine, NCGM
Classification: Likely pathogenic for Progressive familial intrahepatic cholestasis type 2. Last evaluated: 2023-05-20. Review status: criteria provided, single submitter. Criteria: ACMG Guidelines, 2015. Collection method: clinical testing. Allele origin: germline. Inheritance: Autosomal recessive inheritance. Affected: yes.
Comment: The frameshift c.2581_2585del(p.Leu861TyrfsTer23) variant in ABCB11 gene has not been reported previously as a pathogenic variant nor a benign variant, to our knowledge. The p.Leu861TyrfsTer23 variant is absent in gnomAD Exomes. This variant has not been submitted to the ClinVar database. This variant causes a frameshift starting with codon Leucine 861, changes this amino acid to Tyrosine residue, and creates a premature Stop codon at position 23 of the new reading frame, denoted p.Leu861TyrfsTer23. This variant is predicted to cause loss of normal protein function through protein truncation. Loss of function variants have been previously reported to be disease causing. For these reasons, this variant has been classified as Likely Pathogenic.

NM_003742.4(ABCB11):c.2581_2585del (p.Leu861fs)

Gene: ABCB11 (ATP binding cassette subfamily B member 11; minus strand). Cytogenetic location: 2q31.1.
Variant type: Deletion.
Coding change: c.2581_2585del on transcript NM_003742.4 (MANE Select); coding-DNA positions 2581 to 2585, 5 bases deleted (CTTGC; older notation c.2581_2585delCTTGC).
Protein change: p.Leu861fs; shifts the reading frame from leucine 861.
Molecular consequence: frameshift variant.
Genome position (GRCh38, 1-based): chr2:168,944,630-168,944,634, GCAAG deleted on the plus strand (CTTGC on the coding strand, the reverse complement: ABCB11 is on the minus strand). VCF-style (leftmost placement, unchanged base first): chr2-168944629-AGCAAG-A. GRCh37 (hg19) VCF-style: chr2-169801139-AGCAAG-A.
Other names: short protein forms L861fs.
Identifiers: ClinVar variation 3362844 (VCV003362844.3).
Genomic context (GRCh38, chr2:168,944,629, plus strand): 5'-AGTTAATATACTTCTATTTCCCCTCCCATAGCTCACCCCTTGAACTTGGGAAGCATCTGT[AGCAAG>A]TCTTGTTGTCAATGCTCCAGGGCTATTTCTGAGGTCATCAAACCAGGCAATATCTTGCCC-3'